The following is an entry in ClinVar:

NM_004655.4(AXIN2):c.101C>A (p.Pro34Gln)

Gene: AXIN2 (axin 2; minus strand). Cytogenetic location: 17q24.1.
Variant type: single nucleotide variant.
Coding change: c.101C>A on transcript NM_004655.4 (MANE Select); coding-DNA position 101, C replaced by A.
Protein change: p.Pro34Gln; replaces proline 34 with glutamine.
Molecular consequence: missense variant.
Genome position (GRCh38, 1-based): chr17:65,558,520, G>T on the plus strand (C>A on the coding strand, the complement: AXIN2 is on the minus strand). VCF-style: chr17-65558520-G-T. GRCh37 (hg19) VCF-style: chr17-63554638-G-T.
Other names: c.101C>A, p.Pro34Gln (NM_001363813.1); c.101C>A (LRG_296t1); short protein forms P34Q.
Identifiers: ClinVar variation 239972 (VCV000239972.12), dbSNP rs770206565, ClinGen allele CA8719103.
Genomic context (GRCh38, chr17:65,558,520, plus strand): 5'-TTGGAAGAGACAGGCATGGGTTTGGTGACCTGGCCCTTGCCCACCCCTGGCTGACACGGT[G>T]GGGTCTCCCCTTCTTCCCCTGGCACTGGGGGCCGCGGGGCATCCTCACGGAAGCTGCTGC-3'
Protein context (NP_004646.3, residues 24-44): PPVPGEEGET[Pro34Gln]PCQPGVGKGQ

ClinVar aggregate classification (germline): Conflicting classifications of pathogenicity. Review status: criteria provided, conflicting classifications (1 of 4 stars). 2 submissions from 2 submitters: Uncertain significance (1); Likely benign (1). Last evaluated 2025-07-31.

Conditions:
Hereditary cancer-predisposing syndrome. Also called: Neoplastic Syndromes, Hereditary; Hereditary neoplastic syndrome; Tumor predisposition; Hereditary Cancer Syndrome. Identifiers: Orphanet 140162, MedGen C0027672, MeSH D009386, MONDO:0015356.
Oligodontia-cancer predisposition syndrome. Also called: TOOTH AGENESIS-COLORECTAL CANCER SYNDROME. Identifiers: Orphanet 300576, MedGen C1837750, MONDO:0012075, OMIM 608615. Disease mechanism: loss of function.

Allele frequency attached by ClinVar (database versions not stated): gnomAD below 0.00001 and 0.00001; ExAC 0.00003; gnomAD exomes 0.00003 and 0.00004.
gnomAD v4.1: 16 of 1,613,654 alleles (0.00099%); highest among the groups gnomAD compares: South Asian, 0.018%; no homozygotes.

Submissions (2):

Labcorp Genetics (formerly Invitae), Labcorp
Classification: Uncertain significance for Oligodontia-cancer predisposition syndrome. Last evaluated: 2025-07-31. Review status: criteria provided, single submitter. Criteria: Invitae Variant Classification Sherloc (09022015). Collection method: clinical testing. Allele origin: germline.
Comment: This sequence change replaces proline, which is neutral and non-polar, with glutamine, which is neutral and polar, at codon 34 of the AXIN2 protein (p.Pro34Gln). This variant is present in population databases (rs770206565, gnomAD 0.04%). This variant has not been reported in the literature in individuals affected with AXIN2-related conditions. ClinVar contains an entry for this variant (Variation ID: 239972). Invitae Evidence Modeling of protein sequence and biophysical properties (such as structural, functional, and spatial information, amino acid conservation, physicochemical variation, residue mobility, and thermodynamic stability) indicates that this missense variant is not expected to disrupt AXIN2 protein function with a negative predictive value of 80%. In summary, the available evidence is currently insufficient to determine the role of this variant in disease. Therefore, it has been classified as a Variant of Uncertain Significance.

Ambry Genetics
Classification: Likely benign for Hereditary cancer-predisposing syndrome. Last evaluated: 2024-06-21. Review status: criteria provided, single submitter. Criteria: Ambry Variant Classification Scheme 2023. Collection method: clinical testing. Allele origin: germline.